The following is an entry in ClinVar:

ClinVar aggregate classification (germline): Uncertain significance (1 of 4 stars; one submission).

Conditions:
Hereditary nonpolyposis colorectal neoplasms. Identifiers: MedGen C0009405, MeSH D003123.

Submission:

Labcorp Genetics (formerly Invitae), Labcorp
Classification: Uncertain significance for Hereditary nonpolyposis colorectal neoplasms. Last evaluated: 2022-03-10. Review status: criteria provided, single submitter. Criteria: Invitae Variant Classification Sherloc (09022015). Collection method: clinical testing. Allele origin: germline.
Comment: In summary, the available evidence is currently insufficient to determine the role of this variant in disease. Therefore, it has been classified as a Variant of Uncertain Significance. Advanced modeling of protein sequence and biophysical properties (such as structural, functional, and spatial information, amino acid conservation, physicochemical variation, residue mobility, and thermodynamic stability) performed at Invitae indicates that this missense variant is not expected to disrupt MSH6 protein function. This variant has not been reported in the literature in individuals affected with MSH6-related conditions. This variant is not present in population databases (gnomAD no frequency). This sequence change replaces lysine, which is basic and polar, with isoleucine, which is neutral and non-polar, at codon 324 of the MSH6 protein (p.Lys324Ile).

NM_000179.3(MSH6):c.971A>T (p.Lys324Ile)

Gene: MSH6 (mutS homolog 6; plus strand). Cytogenetic location: 2p16.3.
Variant type: single nucleotide variant.
Coding change: c.971A>T on transcript NM_000179.3 (MANE Select); coding-DNA position 971, A replaced by T.
Protein change: p.Lys324Ile; replaces lysine 324 with isoleucine.
Molecular consequence: missense variant.
Genome position (GRCh38, 1-based): chr2:47,798,954, A>T. VCF-style: chr2-47798954-A-T. GRCh37 (hg19) VCF-style: chr2-48026093-A-T.
Other names: c.581A>T, p.Lys194Ile (NM_001281492.2); c.65A>T, p.Lys22Ile (NM_001281493.2, NM_001281494.2, NM_001406811.1 and 6 more transcripts); c.1067A>T, p.Lys356Ile (NM_001406795.1, NM_001406802.1); c.971A>T, p.Lys324Ile (NM_001406796.1, NM_001406798.1, NM_001406800.1 and 4 more transcripts); c.674A>T, p.Lys225Ile (NM_001406797.1, NM_001406801.1, NM_001406805.1 and 10 more transcripts); c.446A>T, p.Lys149Ile (NM_001406799.1, NM_001406806.1, NM_001406807.1); c.893A>T, p.Lys298Ile (NM_001406804.1); c.977A>T, p.Lys326Ile (NM_001406813.1); and 1 more; short protein forms K298I, K268I, K356I, K149I, K194I, K225I, K324I, K326I.
Identifiers: ClinVar variation 2108380 (VCV002108380.4), dbSNP rs1558659961, ClinGen allele CA346740953.
Genomic context (GRCh38, chr2:47,798,954, plus strand): 5'-TGACTGGAAATGGCTCTCTTAAAAGGAAAAGCTCTAGGAAGGAAACGCCCTCAGCCACCA[A>T]ACAAGCAACTAGCATTTCATCAGAAACCAAGAATACTTTGAGAGCTTTCTCTGCCCCTCA-3'
Protein context (NP_000170.1, residues 314-334): SSRKETPSAT[Lys324Ile]QATSISSETK